The following is an entry in ClinVar:

NM_007294.4(BRCA1):c.5362G>T (p.Gly1788Cys)

Gene: BRCA1 (BRCA1 DNA repair associated; minus strand). Cytogenetic location: 17q21.31.
Variant type: single nucleotide variant.
Coding change: c.5362G>T on transcript NM_007294.4 (MANE Select); coding-DNA position 5362, G replaced by T.
Protein change: p.Gly1788Cys; replaces glycine 1788 with cysteine.
Molecular consequence: missense variant. On other transcripts: non-coding transcript variant (1), intron variant (1).
Genome position (GRCh38, 1-based): chr17:43,049,165, C>A on the plus strand (G>T on the coding strand, the complement: BRCA1 is on the minus strand). VCF-style: chr17-43049165-C-A. GRCh37 (hg19) VCF-style: chr17-41201182-C-A.
Other names: c.1852G>T, p.Gly618Cys (NM_001408474.1); c.1840G>T, p.Gly614Cys (NM_001408485.1, NM_001408489.1, NM_001408490.1 and 5 more transcripts); c.1837G>T, p.Gly613Cys (NM_001408492.1, NM_001408493.1); c.1813G>T, p.Gly605Cys (NM_001408494.1); c.1807G>T, p.Gly603Cys (NM_001408495.1); c.1789G>T, p.Gly597Cys (NM_001408496.1, NM_001408497.1, NM_001408498.1 and 3 more transcripts); c.5362G>T, p.Gly1788Cys (NM_001407603.1, NM_001407605.1, NM_001407593.1 and 5 more transcripts); c.5359G>T, p.Gly1787Cys (NM_001407610.1, NM_001407611.1, NM_001407612.1 and 14 more transcripts); and 73 more; short protein forms G1788C, G1741C, G684C, G1809C, G1492C, G1676C, G1677C, G1699C.
Identifiers: ClinVar variation 55550 (VCV000055550.17), dbSNP rs397509271, ClinGen allele CA003528.

ClinVar aggregate classification (germline): Likely pathogenic. Review status: criteria provided, multiple submitters, no conflicts (2 of 4 stars). 4 submissions from 4 submitters: Likely pathogenic (3). 1 of the submissions does not count toward it. Last evaluated 2022-11-29.

Conditions:
Familial cancer of breast. Also called: hereditary breast carcinoma; BREAST CANCER, FAMILIAL; Hereditary breast cancer. Identifiers: Orphanet 227535, MedGen C0346153, MONDO:0016419, OMIM 114480. Disease mechanism: loss of function.
Breast-ovarian cancer, familial, susceptibility to, 1 (BROVCA1). Also called: BRCA1 Hereditary Breast and Ovarian Cancer; OVARIAN CANCER, SUSCEPTIBILITY TO. Identifiers: Orphanet 145, MedGen C2676676, MONDO:0011450, OMIM 604370. Disease mechanism: loss of function.
Hereditary cancer-predisposing syndrome. Also called: Hereditary Cancer Syndrome; Hereditary neoplastic syndrome; Neoplastic Syndromes, Hereditary; Tumor predisposition. Identifiers: Orphanet 140162, MedGen C0027672, MeSH D009386, MONDO:0015356.
Hereditary breast ovarian cancer syndrome. Also called: BRCA1- and BRCA2-Associated Hereditary Breast and Ovarian Cancer; Hereditary breast and ovarian cancer syndrome; Hereditary breast and ovarian cancer syndrome (HBOC); Breast and ovarian cancer; Hereditary breast and/or ovarian cancer syndrome; Hereditary breast and ovarian cancer. Identifiers: Orphanet 145, MedGen C0677776, MeSH D061325, MONDO:0003582. Disease mechanism: loss of function.

Submissions (5):

Labcorp Genetics (formerly Invitae), Labcorp
Classification: Likely pathogenic for Hereditary breast ovarian cancer syndrome. Last evaluated: 2022-11-29. Review status: criteria provided, single submitter. Criteria: Invitae Variant Classification Sherloc (09022015). Collection method: clinical testing. Allele origin: germline.
Comment: This sequence change replaces glycine, which is neutral and non-polar, with cysteine, which is neutral and slightly polar, at codon 1788 of the BRCA1 protein (p.Gly1788Cys). This variant is not present in population databases (gnomAD no frequency). This missense change has been observed in individual(s) with breast cancer (PMID: 22486713). ClinVar contains an entry for this variant (Variation ID: 55550). Advanced modeling performed at Invitae incorporating data from internal and/or published experimental studies (PMID: 30209399) indicates that this missense variant is expected to disrupt BRCA1 function. Experimental studies have shown that this missense change affects BRCA1 function (PMID: 30209399). This variant disrupts the p.Gly1788 amino acid residue in BRCA1. Other variant(s) that disrupt this residue have been determined to be pathogenic (PMID: 9796975, 14534301, 15689452, 16267036, 17924331, 18418466, 18512148, 20516115, 21614564, 21990134, 26689913, 27272900). This suggests that this residue is clinically significant, and that variants that disrupt this residue are likely to be disease-causing. In summary, the currently available evidence indicates that the variant is pathogenic, but additional data are needed to prove that conclusively. Therefore, this variant has been classified as Likely Pathogenic.

Ambry Genetics
Classification: Likely pathogenic for Hereditary cancer-predisposing syndrome. Last evaluated: 2018-08-27. Review status: criteria provided, single submitter. Criteria: Ambry Variant Classification Scheme 2023. Collection method: clinical testing. Allele origin: germline.
Comment: The p.G1788C variant (also known as c.5362G>T), located in coding exon 20 of the BRCA1 gene, results from a G to T substitution at nucleotide position 5362. The glycine at codon 1788 is replaced by cysteine, an amino acid with highly dissimilar properties. Based on internal structural analysis, this p.G1788C alteration was found to cause disruption of the BRCT domain of the protein (Ambry internal data; Clapperton J et al. Nat Struct Mol Biol. 2004; 11(6):512-8). This amino acid position is highly conserved in available vertebrate species. In addition, this alteration is predicted to be deleterious by in silico analysis. Based on the majority of available evidence to date, this variant is likely to be pathogenic.

Neuberg Centre For Genomic Medicine, NCGM
Classification: Likely pathogenic for Breast-ovarian cancer, familial, susceptibility to, 1. Review status: criteria provided, single submitter. Criteria: ACMG Guidelines, 2015. Collection method: clinical testing. Allele origin: germline. Inheritance: Autosomal dominant inheritance. Affected: yes.
Comment: This variant has been reported to the ClinVar database as Likely Pathogenic. The p.Gly1809Cys variant is novel (not in any individuals) in gnomAD Exomes and 1000 Genomes. The amino acid Gly at position 1809 is changed to a Cys changing protein sequence and it might alter its composition and physico-chemical properties. The variant is predicted to be damaging by both SIFT and PolyPhen2. The residue is conserved across species. The amino acid change p.Gly1809Cys in BRCA1 is predicted as conserved by GERP++ and PhyloP across 100 vertebrates. For these reasons, this variant has been classified as Likely Pathogenic.

Brotman Baty Institute, University of Washington
No classification provided (evidence only). Condition: Breast-ovarian cancer, familial 1. Review status: no classification provided. Collection method: in vitro. Allele origin: not applicable. Functional consequence: functionally_abnormal. Not counted in ClinVar's aggregate classification.
ClinVar note: "not provided" was previously submitted as the classification for the variant. However, the classification appeared to be based only on an observation of functional data so it was converted to no classification on 2025-07-30.

ClinVar Staff, National Center for Biotechnology Information (NCBI)
No classification provided. Condition: Familial cancer of breast. Review status: no classification provided. Collection method: literature only. Allele origin: germline. Affected: yes. Not counted in ClinVar's aggregate classification.

Literature cited by the submitters: PubMed 22486713 (cited by 3 submitters); PubMed 30209399 (cited by Labcorp Genetics (formerly Invitae), Labcorp); PubMed 9796975 (cited by Labcorp Genetics (formerly Invitae), Labcorp); PubMed 14534301 (cited by Labcorp Genetics (formerly Invitae), Labcorp); PubMed 15689452 (cited by Labcorp Genetics (formerly Invitae), Labcorp); PubMed 16267036 (cited by Labcorp Genetics (formerly Invitae), Labcorp); PubMed 17924331 (cited by Labcorp Genetics (formerly Invitae), Labcorp); PubMed 18418466 (cited by Labcorp Genetics (formerly Invitae), Labcorp); PubMed 18512148 (cited by Labcorp Genetics (formerly Invitae), Labcorp); PubMed 20516115 (cited by Labcorp Genetics (formerly Invitae), Labcorp); PubMed 21614564 (cited by Labcorp Genetics (formerly Invitae), Labcorp); PubMed 21990134 (cited by Labcorp Genetics (formerly Invitae), Labcorp); PubMed 26689913 (cited by Labcorp Genetics (formerly Invitae), Labcorp); PubMed 27272900 (cited by Labcorp Genetics (formerly Invitae), Labcorp).